The following is an entry in ClinVar:

ClinVar aggregate classification (germline): Uncertain significance (1 of 4 stars; one submission).

Conditions:
Tyrosinemia type II (TYRSN2). Also called: OREGON TYPE TYROSINEMIA; TAT DEFICIENCY; TYROSINE AMINOTRANSFERASE DEFICIENCY; TYROSINE TRANSAMINASE DEFICIENCY; KERATOSIS PALMOPLANTARIS WITH CORNEAL DYSTROPHY. Identifiers: Orphanet 28378, MedGen C0268487, MONDO:0010160, OMIM 276600.

Allele frequency attached by ClinVar (database versions not stated): gnomAD exomes below 0.00001; gnomAD 0.00003 and 0.00004; TOPMed 0.00005; ESP Exome Variant Server 0.00008.
gnomAD v4.1: 4 of 1,614,076 alleles (0.00025%); highest among the groups gnomAD compares: African/African-American, 0.0053%; no homozygotes.

Submission:

Labcorp Genetics (formerly Invitae), Labcorp
Classification: Uncertain significance for Tyrosinemia type II. Last evaluated: 2021-08-31. Review status: criteria provided, single submitter. Criteria: Invitae Variant Classification Sherloc (09022015). Collection method: clinical testing. Allele origin: germline.
Comment: This sequence change replaces serine with tyrosine at codon 193 of the TAT protein (p.Ser193Tyr). The serine residue is moderately conserved and there is a large physicochemical difference between serine and tyrosine. This variant is not present in population databases (ExAC no frequency). This variant has not been reported in the literature in individuals affected with TAT-related conditions. Algorithms developed to predict the effect of missense changes on protein structure and function are either unavailable or do not agree on the potential impact of this missense change (SIFT: "Deleterious"; PolyPhen-2: "Benign"; Align-GVGD: "Class C15"). In summary, the available evidence is currently insufficient to determine the role of this variant in disease. Therefore, it has been classified as a Variant of Uncertain Significance.

NM_000353.3(TAT):c.578C>A (p.Ser193Tyr)

Genes: TAT (tyrosine aminotransferase; minus strand), TAT-AS1 (TAT antisense RNA 1; plus strand), LOC111413029 (BRD4-independent group 4 enhancer GRCh37_chr16:71605697-71606896; plus strand). Cytogenetic location: 16q22.2.
Variant type: single nucleotide variant.
Coding change: c.578C>A on transcript NM_000353.3 (MANE Select); coding-DNA position 578, C replaced by A.
Protein change: p.Ser193Tyr; replaces serine 193 with tyrosine.
Molecular consequence: missense variant. On other transcripts: non-coding transcript variant (2).
Genome position (GRCh38, 1-based): chr16:71,572,314, G>T on the plus strand (C>A on the coding strand, the complement: TAT is on the minus strand). VCF-style: chr16-71572314-G-T. GRCh37 (hg19) VCF-style: chr16-71606217-G-T.
Other names: short protein forms S193Y.
Identifiers: ClinVar variation 665810 (VCV000665810.6), dbSNP rs142154262, ClinGen allele CA283579853.